The following is an entry in ClinVar:

ClinVar aggregate classification (germline): Pathogenic (1 of 4 stars; one submission).

Conditions:
Carnitine palmitoyl transferase 1A deficiency. Also called: Carnitine palmitoyltransferase type I deficiency; CPT I DEFICIENCY; CPT DEFICIENCY, HEPATIC, TYPE I; CPT deficiency, hepatic, type IA; Carnitine palmitoyltransferase 1A deficiency. Identifiers: Orphanet 156, MedGen C1829703, MONDO:0009705, OMIM 255120.

Submission:

Labcorp Genetics (formerly Invitae), Labcorp
Classification: Pathogenic for Carnitine palmitoyl transferase 1A deficiency. Last evaluated: 2018-11-11. Review status: criteria provided, single submitter. Criteria: Invitae Variant Classification Sherloc (09022015). Collection method: clinical testing. Allele origin: germline.
Comment: This sequence change creates a premature translational stop signal (p.Gln406*) in the CPT1A gene. It is expected to result in an absent or disrupted protein product. This variant is not present in population databases (ExAC no frequency). This variant has not been reported in the literature in individuals with CPT1A-related disease. Loss-of-function variants in CPT1A are known to be pathogenic (PMID: 16169268). For these reasons, this variant has been classified as Pathogenic.

Literature cited by the submitters: PubMed 16169268.

NM_001876.4(CPT1A):c.1216C>T (p.Gln406Ter)

Genes: CPT1A (carnitine palmitoyltransferase 1A; minus strand), LOC126861244 (BRD4-independent group 4 enhancer GRCh37_chr11:68549035-68550234; plus strand). Cytogenetic location: 11q13.3.
Variant type: single nucleotide variant.
Coding change: c.1216C>T on transcript NM_001876.4 (MANE Select); coding-DNA position 1216, C replaced by T.
Protein change: p.Gln406Ter; replaces glutamine 406 with a stop codon.
Molecular consequence: nonsense.
Genome position (GRCh38, 1-based): chr11:68,781,907, G>A on the plus strand (C>T on the coding strand, the complement: CPT1A is on the minus strand). VCF-style: chr11-68781907-G-A. GRCh37 (hg19) VCF-style: chr11-68549375-G-A.
Other names: c.1216C>T, p.Gln406Ter (NM_001031847.3); short protein forms Q406*.
Identifiers: ClinVar variation 645430 (VCV000645430.7), dbSNP rs1594334937, ClinGen allele CA381631768.
Genomic context (GRCh38, chr11:68,781,907, plus strand): 5'-CTTCTTCAGTTTCATCTAACGTCACAAAGAACGCTGCTTTCTCCACAGCATCAAGAGACT[G>A]CTTATTTTTCCCACGTCCAAAATAGGCCTGACGACACCTGGCCCAGGGAACTCTGCAGTG-3'